The following is an entry in ClinVar:

NM_022089.4(ATP13A2):c.3205G>A (p.Ala1069Thr)

Gene: ATP13A2 (ATPase cation transporting 13A2; minus strand). Cytogenetic location: 1p36.13.
Variant type: single nucleotide variant.
Coding change: c.3205G>A on transcript NM_022089.4 (MANE Select); coding-DNA position 3205, G replaced by A.
Protein change: p.Ala1069Thr; replaces alanine 1069 with threonine.
Molecular consequence: missense variant.
Genome position (GRCh38, 1-based): chr1:16,986,835, C>T on the plus strand (G>A on the coding strand, the complement: ATP13A2 is on the minus strand). VCF-style: chr1-16986835-C-T. GRCh37 (hg19) VCF-style: chr1-17313330-C-T.
Other names: c.3190G>A, p.Ala1064Thr (NM_001141973.3); c.3073G>A, p.Ala1025Thr (NM_001141974.3); short protein forms A1069T, A1064T, A1025T.
Identifiers: ClinVar variation 772041 (VCV000772041.11), dbSNP rs774238872, ClinGen allele CA636580.

ClinVar aggregate classification (germline): Benign/Likely benign. Review status: criteria provided, multiple submitters, no conflicts (2 of 4 stars). 3 submissions from 3 submitters: Benign (1); Likely benign (2). Last evaluated 2026-01-22.

Conditions:
Kufor-Rakeb syndrome (KRS). Also called: PARKINSON DISEASE 9, AUTOSOMAL RECESSIVE, JUVENILE-ONSET. Identifiers: Orphanet 306674, Orphanet 314632, MedGen C1847640, MONDO:0011706, OMIM 606693.
Autosomal recessive spastic paraplegia type 78. Identifiers: Orphanet 513436, MedGen C5567893, MONDO:0014975, OMIM 617225.

Allele frequency attached by ClinVar (database versions not stated): gnomAD 0.00004 and 0.00011; TOPMed 0.00011; gnomAD exomes 0.00018 and 0.00033; ExAC 0.00037.

Submissions (3):

Labcorp Genetics (formerly Invitae), Labcorp
Classification: Likely benign for Kufor-Rakeb syndrome; Autosomal recessive spastic paraplegia type 78. Last evaluated: 2026-01-22. Review status: criteria provided, single submitter. Criteria: Invitae Variant Classification Sherloc (09022015). Collection method: clinical testing. Allele origin: germline.

Blueprint Genetics
Classification: Likely benign. Last evaluated: 2023-09-26. Review status: criteria provided, single submitter. Criteria: ACMG Guidelines, 2015. Collection method: clinical testing. Allele origin: germline.

Women's Health and Genetics/Laboratory Corporation of America, LabCorp
Classification: Benign. Last evaluated: 2023-05-16. Review status: criteria provided, single submitter. Criteria: LabCorp Variant Classification Summary - May 2015. Collection method: clinical testing. Allele origin: germline.
Comment: Variant summary: ATP13A2 c.3205G>A (p.Ala1069Thr) results in a non-conservative amino acid change in the encoded protein sequence. Four of five in-silico tools predict a benign effect of the variant on protein function. The variant allele was found at a frequency of 0.00033 in 249438 control chromosomes, predominantly at a frequency of 0.0026 within the South Asian subpopulation in the gnomAD database, including 2 homozygotes. The observed variant frequency within South Asian control individuals in the gnomAD database is approximately 14-fold of the estimated maximal expected allele frequency for a pathogenic variant in ATP13A2 causing Neurodegeneration With Brain Iron Accumulation phenotype (0.00019), strongly suggesting that the variant is a benign polymorphism found primarily in populations of South Asian origin. c.3205G>A has been reported in the literature as a compound heterozygous genotype in an individual affected with autosomal recessive juvenile-onset Parkinson disease (Suleiman_2018). However, this report does not provide unequivocal conclusions about association of the variant with Neurodegeneration With Brain Iron Accumulation. To our knowledge, no experimental evidence demonstrating an impact on protein function has been reported. The following publication has been ascertained in the context of this evaluation (PMID: 29903538). One clinical diagnostic laboratory has submitted a clinical-significance assessment for this variant to ClinVar after 2014 without evidence for independent evaluation and classified the variant as likely benign. Based on the evidence outlined above, the variant was classified as benign.

Literature cited by the submitters: PubMed 29903538 (cited by Women's Health and Genetics/Laboratory Corporation of America, LabCorp).